The following is an entry in ClinVar:

NM_000271.5(NPC1):c.3536T>C (p.Met1179Thr)

Gene: NPC1 (NPC intracellular cholesterol transporter 1; minus strand). Cytogenetic location: 18q11.2.
Variant type: single nucleotide variant.
Coding change: c.3536T>C on transcript NM_000271.5 (MANE Select); coding-DNA position 3536, T replaced by C.
Protein change: p.Met1179Thr; replaces methionine 1179 with threonine.
Molecular consequence: missense variant.
Genome position (GRCh38, 1-based): chr18:23,534,501, A>G on the plus strand (T>C on the coding strand, the complement: NPC1 is on the minus strand). VCF-style: chr18-23534501-A-G. GRCh37 (hg19) VCF-style: chr18-21114465-A-G.
Other names: short protein forms M1179T.
Identifiers: ClinVar variation 1919806 (VCV001919806.2), dbSNP rs2058595937, ClinGen allele CA401790973.

ClinVar aggregate classification (germline): Uncertain significance (1 of 4 stars; one submission).

Conditions:
Niemann-Pick disease, type C1. Also called: NIEMANN-PICK DISEASE, VARIANT TYPE C1; NEUROVISCERAL STORAGE DISEASE WITH VERTICAL SUPRANUCLEAR OPHTHALMOPLEGIA; NIEMANN-PICK DISEASE WITH CHOLESTEROL ESTERIFICATION BLOCK; NIEMANN-PICK DISEASE WITHOUT SPHINGOMYELINASE DEFICIENCY; NIEMANN-PICK DISEASE, CHRONIC NEURONOPATHIC FORM. Identifiers: Orphanet 646, MedGen C3179455, MONDO:0009757, OMIM 257220.

Allele frequency attached by ClinVar (database versions not stated): gnomAD exomes below 0.00001; TOPMed below 0.00001.

Submission:

Labcorp Genetics (formerly Invitae), Labcorp
Classification: Uncertain significance for Niemann-Pick disease, type C1. Last evaluated: 2022-07-11. Review status: criteria provided, single submitter. Criteria: Invitae Variant Classification Sherloc (09022015). Collection method: clinical testing. Allele origin: germline.
Comment: This sequence change replaces methionine, which is neutral and non-polar, with threonine, which is neutral and polar, at codon 1179 of the NPC1 protein (p.Met1179Thr). This variant is not present in population databases (gnomAD no frequency). This variant has not been reported in the literature in individuals affected with NPC1-related conditions. Advanced modeling of protein sequence and biophysical properties (such as structural, functional, and spatial information, amino acid conservation, physicochemical variation, residue mobility, and thermodynamic stability) performed at Invitae indicates that this missense variant is not expected to disrupt NPC1 protein function. In summary, the available evidence is currently insufficient to determine the role of this variant in disease. Therefore, it has been classified as a Variant of Uncertain Significance.